The following is an entry in ClinVar:

ClinVar aggregate classification (germline): Benign. Review status: criteria provided, single submitter (1 of 4 stars). 2 submissions from 2 submitters: Benign (1). 1 of the submissions does not count toward it.

Allele frequency attached by ClinVar (database versions not stated): ESP Exome Variant Server 0.14855; gnomAD 0.15449 and 0.15815; gnomAD exomes 0.15966 and 0.17716; TOPMed 0.16166; ExAC 0.17309; 1000 Genomes Project 30x 0.18801; 1000 Genomes Project 0.19289.
gnomAD v4.1: 257,505 of 1,613,918 alleles (16%); highest among the groups gnomAD compares: East Asian, 36%; 22,152 homozygotes.

Submissions (2):

Breakthrough Genomics
Classification: Benign. Review status: criteria provided, single submitter. Criteria: ACMG Guidelines, 2015. Collection method: not provided. Allele origin: germline. Inheritance: Unknown mechanism. Affected: yes.

Genetic Services Laboratory, University of Chicago
Classification: Likely benign for AllHighlyPenetrant. Review status: no assertion criteria provided. Collection method: clinical testing. Allele origin: germline. Inheritance: Autosomal dominant inheritance. Not counted in ClinVar's aggregate classification.
Comment: Likely benign based on allele frequency in 1000 Genomes Project or ESP global frequency and its presence in a patient with a rare or unrelated disease phenotype. NOT Sanger confirmed.

NM_001385161.1(MR1):c.116A>G (p.His39Arg)

Gene: MR1 (major histocompatibility complex, class I-related; plus strand). Cytogenetic location: 1q25.3.
Variant type: single nucleotide variant.
Coding change: c.116A>G on transcript NM_001385161.1 (MANE Select); coding-DNA position 116, A replaced by G.
Protein change: p.His39Arg; replaces histidine 39 with arginine.
Molecular consequence: missense variant. On other transcripts: 5 prime UTR variant (1).
Genome position (GRCh38, 1-based): chr1:181,049,100, A>G. VCF-style: chr1-181049100-A-G. GRCh37 (hg19) VCF-style: chr1-181018236-A-G.
Other names: c.116A>G, p.His39Arg (NM_001194999.2, NM_001195000.2, NM_001195035.2 and 4 more transcripts); c.-98A>G (NM_001310213.2); short protein forms H39R.
Identifiers: ClinVar variation 129620 (VCV000129620.7), dbSNP rs2236410, ClinGen allele CA153716.